The following is an entry in ClinVar:

ClinVar aggregate classification (germline): Uncertain significance. Review status: criteria provided, multiple submitters, no conflicts (2 of 4 stars). 3 submissions from 3 submitters: Uncertain significance (3). Last evaluated 2025-08-04.

Conditions:
Hereditary cancer-predisposing syndrome. Also called: Tumor predisposition; Hereditary neoplastic syndrome; Neoplastic Syndromes, Hereditary; Hereditary Cancer Syndrome. Identifiers: Orphanet 140162, MedGen C0027672, MeSH D009386, MONDO:0015356.

gnomAD v4.1: 1 of 1,613,984 alleles (0.000062%); highest among the groups gnomAD compares: Non-Finnish European, 0.000085%; no homozygotes.

Submissions (3):

Labcorp Genetics (formerly Invitae), Labcorp
Classification: Uncertain significance. Last evaluated: 2025-08-04. Review status: criteria provided, single submitter. Criteria: Invitae Variant Classification Sherloc (09022015). Collection method: clinical testing. Allele origin: germline.
Comment: This sequence change replaces aspartic acid, which is acidic and polar, with glycine, which is neutral and non-polar, at codon 185 of the CTNNA1 protein (p.Asp185Gly). This variant is not present in population databases (gnomAD no frequency). This variant has not been reported in the literature in individuals affected with CTNNA1-related conditions. ClinVar contains an entry for this variant (Variation ID: 1470797). Invitae Evidence Modeling of protein sequence and biophysical properties (such as structural, functional, and spatial information, amino acid conservation, physicochemical variation, residue mobility, and thermodynamic stability) indicates that this missense variant is not expected to disrupt CTNNA1 protein function with a negative predictive value of 80%. RNA analysis performed to evaluate the impact of this missense change on mRNA splicing indicates it does not significantly alter splicing (internal data). In summary, the available evidence is currently insufficient to determine the role of this variant in disease. Therefore, it has been classified as a Variant of Uncertain Significance.

Ambry Genetics
Classification: Uncertain significance for Hereditary cancer-predisposing syndrome. Last evaluated: 2021-10-28. Review status: criteria provided, single submitter. Criteria: Ambry Variant Classification Scheme 2023. Collection method: clinical testing. Allele origin: germline.
Comment: The p.D185G variant (also known as c.554A>G), located in coding exon 4 of the CTNNA1 gene, results from an A to G substitution at nucleotide position 554. The aspartic acid at codon 185 is replaced by glycine, an amino acid with similar properties. This amino acid position is well conserved in available vertebrate species. In addition, this alteration is predicted to be tolerated by in silico analysis. Since supporting evidence is limited at this time, the clinical significance of this alteration remains unclear.

Blueprint Genetics
Classification: Uncertain significance. Last evaluated: 2020-11-16. Review status: criteria provided, single submitter. Criteria: ACMG Guidelines, 2015. Collection method: clinical testing. Allele origin: germline.

NM_001903.5(CTNNA1):c.554A>G (p.Asp185Gly)

Gene: CTNNA1 (catenin alpha 1; plus strand). Cytogenetic location: 5q31.2.
Variant type: single nucleotide variant.
Coding change: c.554A>G on transcript NM_001903.5 (MANE Select); coding-DNA position 554, A replaced by G.
Protein change: p.Asp185Gly; replaces aspartic acid 185 with glycine.
Molecular consequence: missense variant.
Genome position (GRCh38, 1-based): chr5:138,812,268, A>G. VCF-style: chr5-138812268-A-G. GRCh37 (hg19) VCF-style: chr5-138147957-A-G.
Other names: c.554A>G, p.Asp185Gly (NM_001290307.3, NM_001323982.2, NM_001323983.1 and 3 more transcripts); c.245A>G, p.Asp82Gly (NM_001290309.3); c.185A>G, p.Asp62Gly (NM_001290310.3); short protein forms D82G, D185G, D62G.
Identifiers: ClinVar variation 1470797 (VCV001470797.11), dbSNP rs2149736779, ClinGen allele CA361125477.